The following is an entry in ClinVar:

ClinVar aggregate classification (germline): Conflicting classifications of pathogenicity. Review status: criteria provided, conflicting classifications (1 of 4 stars). 4 submissions from 4 submitters: Uncertain significance (1); Likely benign (2). 1 of the submissions does not count toward it. Last evaluated 2025-04-07.

Conditions:
Kabuki syndrome. Also called: NIIKAWA-KUROKI SYNDROME; Kabuki make-up syndrome. Identifiers: Orphanet 2322, MedGen C0796004, MONDO:0016512.

Allele frequency attached by ClinVar (database versions not stated): gnomAD exomes below 0.00001 and 0.00001; ExAC 0.00001; gnomAD 0.00004; TOPMed 0.00006.
gnomAD v4.1: 8 of 1,612,494 alleles (0.0005%); highest among the groups gnomAD compares: Admixed American, 0.013%; no homozygotes.

Submissions (4):

Labcorp Genetics (formerly Invitae), Labcorp
Classification: Likely benign for Kabuki syndrome. Last evaluated: 2025-04-07. Review status: criteria provided, single submitter. Criteria: Invitae Variant Classification Sherloc (09022015). Collection method: clinical testing. Allele origin: germline.

GeneDx
Classification: Likely benign. Last evaluated: 2021-03-05. Review status: criteria provided, single submitter. Criteria: GeneDx Variant Classification Process June 2021. Collection method: clinical testing. Allele origin: germline. Affected: yes.
Comment: This variant is associated with the following publications: (PMID: 24728327)

Athena Diagnostics
Classification: Uncertain significance. Last evaluated: 2016-10-12. Review status: criteria provided, single submitter. Criteria: Athena Diagnostics Criteria. Collection method: clinical testing. Allele origin: germline.

ITMI
No classification provided. Condition: AllHighlyPenetrant. Last evaluated: 2013-09-19. Review status: no classification provided. Collection method: reference population. Allele origin: germline. Not counted in ClinVar's aggregate classification.
Comment: Please see associated publication for description of ethnicities

Literature cited by the submitters: PubMed 24728327 (cited by ITMI).

NM_003482.4(KMT2D):c.13009C>G (p.Pro4337Ala)

Gene: KMT2D (lysine methyltransferase 2D; minus strand). Cytogenetic location: 12q13.12.
Variant type: single nucleotide variant.
Coding change: c.13009C>G on transcript NM_003482.4 (MANE Select); coding-DNA position 13009, C replaced by G.
Protein change: p.Pro4337Ala; replaces proline 4337 with alanine.
Molecular consequence: missense variant.
Genome position (GRCh38, 1-based): chr12:49,031,696, G>C on the plus strand (C>G on the coding strand, the complement: KMT2D is on the minus strand). VCF-style: chr12-49031696-G-C. GRCh37 (hg19) VCF-style: chr12-49425479-G-C.
Other names: short protein forms P4337A.
Identifiers: ClinVar variation 134714 (VCV000134714.11), dbSNP rs587778475, ClinGen allele CA160597.
Genomic context (GRCh38, chr12:49,031,696, plus strand): 5'-TCCCAGGAGGCGGCTCCAAGGTTGGCCCCTGAGGTTTGGGGGTCCCTGGATGGGTGGGAG[G>C]GAGCTGGGCCTCAGTGGGAAGCTGGGAGCTGGGGGAAGGTAATTGTGAAGGTCTCTTTGG-3'
Protein context (NP_003473.3, residues 4327-4347): SSQLPTEAQL[Pro4337Ala]PTHPGTPKPQ